The following is an entry in ClinVar:

ClinVar aggregate classification (germline): Likely pathogenic (1 of 4 stars; one submission).

Allele frequency attached by ClinVar (database versions not stated): gnomAD exomes below 0.00001.
gnomAD v4.1: 1 of 1,614,176 alleles (0.000062%); highest among the groups gnomAD compares: Non-Finnish European, 0.000085%; no homozygotes.

Submission:

ARUP Laboratories, Molecular Genetics and Genomics, ARUP Laboratories
Classification: Likely pathogenic. Last evaluated: 2023-11-21. Review status: criteria provided, single submitter. Criteria: ARUP Molecular Germline Variant Investigation Process 2024. Collection method: clinical testing. Allele origin: germline.
Comment: The VWF c.1231C>T; p.Gln411Ter variant, to our knowledge, is not reported in the medical literature or gene specific databases. This variant is also absent from the Genome Aggregation Database (v2.1.1), indicating it is not a common polymorphism. This variant induces an early termination codon and is predicted to result in a truncated protein or mRNA subject to nonsense-mediated decay. Based on available information, this variant is considered to be likely pathogenic.

NM_000552.5(VWF):c.1231C>T (p.Gln411Ter)

Gene: VWF (von Willebrand factor; minus strand). Cytogenetic location: 12p13.31.
Variant type: single nucleotide variant.
Coding change: c.1231C>T on transcript NM_000552.5 (MANE Select); coding-DNA position 1231, C replaced by T.
Protein change: p.Gln411Ter; replaces glutamine 411 with a stop codon.
Molecular consequence: nonsense.
Genome position (GRCh38, 1-based): chr12:6,065,199, G>A on the plus strand (C>T on the coding strand, the complement: VWF is on the minus strand). VCF-style: chr12-6065199-G-A. GRCh37 (hg19) VCF-style: chr12-6174365-G-A.
Other names: short protein forms Q411*.
Identifiers: ClinVar variation 2921173 (VCV002921173.1), dbSNP rs2497227296, ClinGen allele CA383503037.